The following is an entry in ClinVar:

NM_003709.4(KLF7):c.893T>C (p.Met298Thr)

Gene: KLF7 (KLF transcription factor 7; minus strand). Cytogenetic location: 2q33.3.
Variant type: single nucleotide variant.
Coding change: c.893T>C on transcript NM_003709.4 (MANE Select); coding-DNA position 893, T replaced by C.
Protein change: p.Met298Thr; replaces methionine 298 with threonine.
Molecular consequence: missense variant. On other transcripts: stop lost (1), non-coding transcript variant (1).
Genome position (GRCh38, 1-based): chr2:207,081,229, A>G on the plus strand (T>C on the coding strand, the complement: KLF7 is on the minus strand). VCF-style: chr2-207081229-A-G. GRCh37 (hg19) VCF-style: chr2-207945953-A-G.
Other names: c.691T>C, p.Ter231Arg (NM_001270942.1); c.794T>C, p.Met265Thr (NM_001270943.2); c.809T>C, p.Met270Thr (NM_001270944.2); short protein forms M298T, M265T, M270T.
Identifiers: ClinVar variation 3115352 (VCV003115352.2), dbSNP rs772264714, ClinGen allele CA2075747.

ClinVar aggregate classification (germline): Uncertain significance (1 of 4 stars; one submission).

Conditions:
Inborn genetic diseases. Identifiers: MedGen C0950123, MeSH D030342.

Allele frequency attached by ClinVar (database versions not stated): ExAC 0.00001; gnomAD exomes 0.00001; gnomAD 0.00001; TOPMed 0.00001.
gnomAD v4.1: 10 of 1,613,984 alleles (0.00062%); highest among the groups gnomAD compares: East Asian, 0.0067%; no homozygotes.

Submission:

Ambry Genetics
Classification: Uncertain significance for Inborn genetic diseases. Last evaluated: 2026-07-19. Review status: criteria provided, single submitter. Criteria: Ambry Variant Classification Scheme 2023. Collection method: clinical testing. Allele origin: germline.
Comment: The c.893T>C (p.M298T) alteration is located in exon 4 (coding exon 4) of the KLF7 gene. This alteration results from a T to C substitution at nucleotide position 893, causing the methionine (M) at amino acid position 298 to be replaced by a threonine (T). Based on data from gnomAD, the C allele has an overall frequency of 0.001% (2/282840) total alleles studied. The highest observed frequency was 0.005% (1/19954) of East Asian alleles. Based on insufficient or conflicting evidence, the clinical significance of this alteration remains unclear.